The following is an entry in ClinVar:

ClinVar aggregate classification (germline): Uncertain significance (1 of 4 stars; one submission).

Submission:

Women's Health and Genetics/Laboratory Corporation of America, LabCorp
Classification: Uncertain significance. Last evaluated: 2024-01-30. Review status: criteria provided, single submitter. Criteria: LabCorp Variant Classification Summary - May 2015. Collection method: clinical testing. Allele origin: germline.
Comment: Variant summary: GUF1 c.682_703delinsTCTAAA (p.Leu228SerfsX22) results in a premature termination codon, predicted to cause absence of the protein due to nonsense mediated decay, however current evidence is not sufficient to establish loss-of-function variants in GUF1 as causative of disease. The variant was absent in 31380 control chromosomes. The available data on variant occurrences in the general population are insufficient to allow any conclusion about variant significance. To our knowledge, no occurrence of c.682_703delinsTCTAAA in individuals affected with Early Infantile Epileptic Encephalopathy, 40 and no experimental evidence demonstrating its impact on protein function have been reported. No submitters have cited clinical-significance assessments for this variant to ClinVar. Based on the evidence outlined above, the variant was classified as uncertain significance.

NM_021927.3(GUF1):c.682_703delinsTCTAAA (p.Leu228fs)

Gene: GUF1 (GTP binding elongation factor GUF1; plus strand). Cytogenetic location: 4p12.
Variant type: Indel.
Coding change: c.682_703delinsTCTAAA on transcript NM_021927.3 (MANE Select); coding-DNA positions 682 to 703, CTTGGAACAAATGTTGAGAGTG replaced by TCTAAA.
Protein change: p.Leu228fs; shifts the reading frame from leucine 228.
Molecular consequence: frameshift variant. On other transcripts: 5 prime UTR variant (2).
Genome position (GRCh38, 1-based): chr4:44,685,971-44,685,992, CTTGGAACAAATGTTGAGAGTG replaced by TCTAAA. VCF-style: chr4-44685971-CTTGGAACAAATGTTGAGAGTG-TCTAAA. GRCh37 (hg19) VCF-style: chr4-44687988-CTTGGAACAAATGTTGAGAGTG-TCTAAA.
Other names: c.-291_-270delinsTCTAAA (NM_001345867.2, NM_001345869.2); c.682_703delinsTCTAAA, p.Leu228fs (NM_001345868.2); short protein forms L228fs.
Identifiers: ClinVar variation 3063718 (VCV003063718.1), dbSNP rs2545497035, ClinGen allele CA2740091274.